The following is an entry in ClinVar:

NM_020738.4(KIDINS220):c.229T>C (p.Ser77Pro)

Gene: KIDINS220 (kinase D interacting substrate 220; minus strand). Cytogenetic location: 2p25.1.
Variant type: single nucleotide variant.
Coding change: c.229T>C on transcript NM_020738.4 (MANE Select); coding-DNA position 229, T replaced by C.
Protein change: p.Ser77Pro; replaces serine 77 with proline.
Molecular consequence: missense variant. On other transcripts: non-coding transcript variant (2).
Genome position (GRCh38, 1-based): chr2:8,817,695, A>G on the plus strand (T>C on the coding strand, the complement: KIDINS220 is on the minus strand). VCF-style: chr2-8817695-A-G. GRCh37 (hg19) VCF-style: chr2-8957825-A-G.
Other names: c.229T>C, p.Ser77Pro (NM_001348729.2, NM_001348731.2, NM_001348732.2 and 9 more transcripts); c.103T>C, p.Ser35Pro (NM_001348736.2); short protein forms S35P, S77P.
Identifiers: ClinVar variation 3347980 (VCV003347980.1).

ClinVar aggregate classification (germline): Uncertain significance (0 of 4 stars; one submission).

Conditions:
KIDINS220-related disorder. Also called: KIDINS220-related condition.

Submission:

PreventionGenetics, part of Exact Sciences
Classification: Uncertain significance for KIDINS220-related condition. Last evaluated: 2024-03-23. Review status: no assertion criteria provided. Collection method: clinical testing. Allele origin: germline.
Comment: The KIDINS220 c.229T>C variant is predicted to result in the amino acid substitution p.Ser77Pro. To our knowledge, this variant has not been reported in the literature or in a large population database, indicating this variant is rare. At this time, the clinical significance of this variant is uncertain due to the absence of conclusive functional and genetic evidence.